The following is an entry in ClinVar:

NM_000642.3(AGL):c.1308G>C (p.Glu436Asp)

Gene: AGL (amylo-alpha-1,6-glucosidase and 4-alpha-glucanotransferase; plus strand). Cytogenetic location: 1p21.2.
Variant type: single nucleotide variant.
Coding change: c.1308G>C on transcript NM_000642.3 (MANE Select); coding-DNA position 1308, G replaced by C.
Protein change: p.Glu436Asp; replaces glutamic acid 436 with aspartic acid.
Molecular consequence: missense variant.
Genome position (GRCh38, 1-based): chr1:99,876,482, G>C. VCF-style: chr1-99876482-G-C. GRCh37 (hg19) VCF-style: chr1-100342038-G-C.
Other names: c.1104G>C, p.Glu368Asp (NM_001425329.1, NM_001425328.1); c.930G>C, p.Glu310Asp (NM_001425332.1); c.1308G>C, p.Glu436Asp (NM_000643.3, NM_000644.3, NM_001425325.1 and 2 more transcripts); c.1260G>C, p.Glu420Asp (NM_000646.3); c.1107G>C, p.Glu369Asp (NM_001425327.1); short protein forms E436D, E420D, E310D, E368D, E369D.
Identifiers: ClinVar variation 1398475 (VCV001398475.6), dbSNP rs2101132003, ClinGen allele CA341345875.

ClinVar aggregate classification (germline): Uncertain significance (1 of 4 stars; one submission).

Conditions:
Glycogen storage disease type III (GSD3). Also called: Cori disease; FORBES DISEASE. Identifiers: Orphanet 366, MedGen C0017922, MONDO:0009291, OMIM 232400.

Submission:

Labcorp Genetics (formerly Invitae), Labcorp
Classification: Uncertain significance for Glycogen storage disease type III. Last evaluated: 2025-10-01. Review status: criteria provided, single submitter. Criteria: Invitae Variant Classification Sherloc (09022015). Collection method: clinical testing. Allele origin: germline.
Comment: This sequence change replaces glutamic acid, which is acidic and polar, with aspartic acid, which is acidic and polar, at codon 436 of the AGL protein (p.Glu436Asp). This variant is not present in population databases (gnomAD no frequency). This variant has not been reported in the literature in individuals affected with AGL-related conditions. ClinVar contains an entry for this variant (Variation ID: 1398475). Invitae Evidence Modeling of protein sequence and biophysical properties (such as structural, functional, and spatial information, amino acid conservation, physicochemical variation, residue mobility, and thermodynamic stability) indicates that this missense variant is not expected to disrupt AGL protein function with a negative predictive value of 80%. In summary, the available evidence is currently insufficient to determine the role of this variant in disease. Therefore, it has been classified as a Variant of Uncertain Significance.